The following is an entry in ClinVar:

NM_005689.4(ABCB6):c.1734_1744del (p.Gly579fs)

Gene: ABCB6 (ATP binding cassette subfamily B member 6 (LAN blood group); minus strand). Cytogenetic location: 2q35.
Variant type: Deletion.
Coding change: c.1734_1744del on transcript NM_005689.4 (MANE Select); coding-DNA positions 1734 to 1744, 11 bases deleted (TGGAGCAGGGC).
Protein change: p.Gly579fs; shifts the reading frame from glycine 579.
Molecular consequence: frameshift variant.
Genome position (GRCh38, 1-based): chr2:219,213,302-219,213,312, GCCCTGCTCCA deleted on the plus strand (TGGAGCAGGGC on the coding strand, the reverse complement: ABCB6 is on the minus strand); deleting any 11 consecutive bases within chr2:219,213,302-219,213,313 gives the same sequence; the c. name uses the placement nearest the transcript's 3' end. VCF-style (leftmost placement, unchanged base first): chr2-219213301-GGCCCTGCTCCA-G. GRCh37 (hg19) VCF-style: chr2-220078023-GGCCCTGCTCCA-G.
Other names: c.1596_1606del, p.Gly533fs (NM_001349828.2); short protein forms G533fs, G579fs.
Identifiers: ClinVar variation 3903094 (VCV003903094.1).

ClinVar aggregate classification (germline): Uncertain significance (1 of 4 stars; one submission).

Submission:

GeneDx
Classification: Uncertain significance. Last evaluated: 2024-12-13. Review status: criteria provided, single submitter. Criteria: GeneDx Variant Classification Process June 2021. Collection method: clinical testing. Allele origin: germline. Affected: yes.
Comment: Not observed at significant frequency in large population cohorts (gnomAD); Frameshift variant predicted to result in protein truncation or nonsense mediated decay in a gene or region of a gene for which loss of function is not a well-established mechanism of disease; Has not been previously published as pathogenic or benign to our knowledge